The following is an entry in ClinVar:

NM_005591.4(MRE11):c.592G>T (p.Val198Leu)

Gene: MRE11 (MRE11 double strand break repair nuclease; minus strand). Cytogenetic location: 11q21.
Variant type: single nucleotide variant.
Coding change: c.592G>T on transcript NM_005591.4 (MANE Select); coding-DNA position 592, G replaced by T.
Protein change: p.Val198Leu; replaces valine 198 with leucine.
Molecular consequence: missense variant.
Genome position (GRCh38, 1-based): chr11:94,476,356, C>A on the plus strand (G>T on the coding strand, the complement: MRE11 is on the minus strand). VCF-style: chr11-94476356-C-A. GRCh37 (hg19) VCF-style: chr11-94209522-C-A.
Other names: c.592G>T, p.Val198Leu (NM_001330347.2, NM_005590.4); short protein forms V198L.
Identifiers: ClinVar variation 232386 (VCV000232386.5), dbSNP rs876659732, ClinGen allele CA10579405.

ClinVar aggregate classification (germline): Uncertain significance (1 of 4 stars; one submission).

Conditions:
Hereditary cancer-predisposing syndrome. Also called: Neoplastic Syndromes, Hereditary; Tumor predisposition; Hereditary Cancer Syndrome; Hereditary neoplastic syndrome. Identifiers: Orphanet 140162, MedGen C0027672, MeSH D009386, MONDO:0015356.

Submission:

Ambry Genetics
Classification: Uncertain significance for Hereditary cancer-predisposing syndrome. Last evaluated: 2015-06-13. Review status: criteria provided, single submitter. Criteria: Ambry Variant Classification Scheme 2023. Collection method: clinical testing. Allele origin: germline.
Comment: The p.V198L variant (also known as c.592G>T), located in coding exon 6 of the MRE11A gene, results from a G to T substitution at nucleotide position 592. The valine at codon 198 is replaced by leucine, an amino acid with highly similar properties. This variant was not reported in population based cohorts in the following databases: Database of Single Nucleotide Polymorphisms (dbSNP), NHLBI Exome Sequencing Project (ESP), and 1000 Genomes Project. In the ESP, this variant was not observed in 6497 samples (12994 alleles) with coverage at this position. To date, this alteration has been detected with an allele frequency of approximately 0.002% (greater than 65000 alleles tested) in our clinical cohort. This amino acid position is highly conserved in available vertebrate species. In addition, the in silico prediction for this alteration is inconclusive. Since supporting evidence is limited at this time, the clinical significance of p.V198L remains unclear.